The following is an entry in ClinVar:

ClinVar aggregate classification (germline): Uncertain significance (1 of 4 stars; one submission).

gnomAD v4.1: 9 of 1,559,086 alleles (0.00058%); highest among the groups gnomAD compares: Non-Finnish European, 0.00052%; no homozygotes.

Submission:

Labcorp Genetics (formerly Invitae), Labcorp
Classification: Uncertain significance. Last evaluated: 2023-07-03. Review status: criteria provided, single submitter. Criteria: Invitae Variant Classification Sherloc (09022015). Collection method: clinical testing. Allele origin: germline.
Comment: Algorithms developed to predict the effect of sequence changes on RNA splicing suggest that this variant may disrupt the consensus splice site. ClinVar contains an entry for this variant (Variation ID: 1964419). This variant has not been reported in the literature in individuals affected with ADGRV1-related conditions. This variant is present in population databases (rs753821867, gnomAD 0.007%). This sequence change affects codon 1007 of the ADGRV1 mRNA. It is a 'silent' change, meaning that it does not change the encoded amino acid sequence of the ADGRV1 protein. It affects a nucleotide within the consensus splice site. In summary, the available evidence is currently insufficient to determine the role of this variant in disease. Therefore, it has been classified as a Variant of Uncertain Significance.

NM_032119.4(ADGRV1):c.3021A>T (p.Ala1007=)

Gene: ADGRV1 (adhesion G protein-coupled receptor V1; plus strand). Cytogenetic location: 5q14.3.
Variant type: single nucleotide variant.
Coding change: c.3021A>T on transcript NM_032119.4 (MANE Select); coding-DNA position 3021, A replaced by T.
Protein change: p.Ala1007=; no amino-acid change (alanine 1007 retained).
Molecular consequence: synonymous variant. On other transcripts: non-coding transcript variant (1).
Genome position (GRCh38, 1-based): chr5:90,646,090, A>T. VCF-style: chr5-90646090-A-T. GRCh37 (hg19) VCF-style: chr5-89941907-A-T.
Identifiers: ClinVar variation 1964419 (VCV001964419.5), dbSNP rs753821867, ClinGen allele CA121835634.